The following is an entry in ClinVar:

ClinVar aggregate classification (germline): Pathogenic. Review status: criteria provided, single submitter (1 of 4 stars). 2 submissions from 2 submitters: Pathogenic (1). 1 of the submissions does not count toward it. Last evaluated 2019-08-22.

Conditions:
Long QT syndrome (LQTS). Identifiers: MedGen C0023976, MeSH D008133, MONDO:0002442. Disease mechanism: loss of function. Inheritance: Various modes of inheritance.
Familial hyperaldosteronism type III. Also called: FH III; Familial hyperaldosteronism type 3. Identifiers: Orphanet 251274, MedGen C3838758, MONDO:0013359, OMIM 613677.

Submissions (2):

Labcorp Genetics (formerly Invitae), Labcorp
Classification: Pathogenic for Long QT syndrome. Last evaluated: 2019-08-22. Review status: criteria provided, single submitter. Criteria: Invitae Variant Classification Sherloc (09022015). Collection method: clinical testing. Allele origin: germline.
Comment: For these reasons, this variant has been classified as Pathogenic. This variant disrupts the p.Gly151 amino acid residue in KCNJ5. Other variant(s) that disrupt this residue have been determined to be pathogenic (PMID: 22308486, 24819081). This suggests that this residue is clinically significant, and that variants that disrupt this residue are likely to be disease-causing. This variant has been reported to affect KCNJ5 protein function (PMID: 22203740, 22308486). This variant has been observed to segregate with hyperaldosteronism in families (PMID: 22203740, 22308486). ClinVar contains an entry for this variant (Variation ID: 135679). This variant is not present in population databases (ExAC no frequency). This sequence change replaces glycine with glutamic acid at codon 151 of the KCNJ5 protein (p.Gly151Glu). The glycine residue is highly conserved and there is a moderate physicochemical difference between glycine and glutamic acid.

OMIM
Classification: Pathogenic for HYPERALDOSTERONISM, FAMILIAL, TYPE III. Last evaluated: 2012-02-14. Review status: no assertion criteria provided. Collection method: literature only. Allele origin: germline. Not counted in ClinVar's aggregate classification.

Literature cited by the submitters: PubMed 22308486 (cited by Labcorp Genetics (formerly Invitae), Labcorp and OMIM); PubMed 24819081 (cited by Labcorp Genetics (formerly Invitae), Labcorp); PubMed 22203740 (cited by Labcorp Genetics (formerly Invitae), Labcorp and OMIM).

NM_000890.5(KCNJ5):c.452G>A (p.Gly151Glu)

Gene: KCNJ5 (potassium inwardly rectifying channel subfamily J member 5; plus strand). Cytogenetic location: 11q24.3.
Variant type: single nucleotide variant.
Coding change: c.452G>A on transcript NM_000890.5 (MANE Select); coding-DNA position 452, G replaced by A.
Protein change: p.Gly151Glu; replaces glycine 151 with glutamic acid.
Molecular consequence: missense variant.
Genome position (GRCh38, 1-based): chr11:128,911,725, G>A. VCF-style: chr11-128911725-G-A. GRCh37 (hg19) VCF-style: chr11-128781620-G-A.
Other names: c.452G>A, p.Gly151Glu (NM_001354169.2); short protein forms G151E.
Identifiers: ClinVar variation 135679 (VCV000135679.10), dbSNP rs587777437, ClinGen allele CA163131.
Genomic context (GRCh38, chr11:128,911,725, plus strand): 5'-AAAACCTCAGTGGCTTCGTGTCCGCTTTCCTGTTCTCCATTGAGACCGAAACAACCATTG[G>A]GTATGGCTTCCGAGTCATCACAGAGAAGTGTCCAGAGGGGATTATACTCCTCTTGGTCCA-3'
Protein context (NP_000881.3, residues 141-161): LFSIETETTI[Gly151Glu]YGFRVITEKC